The following is an entry in ClinVar:

ClinVar aggregate classification (germline): Uncertain significance (1 of 4 stars; one submission).

Conditions:
ABCC12-related condition.

Submission:

PreventionGenetics, part of Exact Sciences
Classification: Uncertain significance for ABCC12-related condition. Last evaluated: 2026-07-29. Review status: criteria provided, single submitter. Criteria: ACMG Guidelines, 2015. Collection method: clinical testing. Allele origin: germline.
Comment: The ABCC12 c.1185delC variant is predicted to result in a frameshift and premature protein termination (p.Phe396Serfs*13). To our knowledge, this variant has not been reported in the literature. This variant is reported in 0.0062% of alleles in individuals of European (Non-Finnish) descent in gnomAD. At this time, the clinical significance of this variant is uncertain due to the absence of conclusive functional and genetic evidence.

NM_001393797.1(ABCC12):c.1185del (p.Phe396fs)

Gene: ABCC12 (ATP binding cassette subfamily C member 12; minus strand). Cytogenetic location: 16q12.1.
Variant type: Deletion.
Coding change: c.1185del on transcript NM_001393797.1 (MANE Select); coding-DNA position 1185, one base deleted (C; older notation c.1185delC).
Protein change: p.Phe396fs; shifts the reading frame from phenylalanine 396.
Molecular consequence: frameshift variant. On other transcripts: non-coding transcript variant (6).
Genome position (GRCh38, 1-based): chr16:48,130,839, G deleted on the plus strand (C on the coding strand, the reverse complement: ABCC12 is on the minus strand); the first of 3 consecutive G bases (chr16:48,130,839-48,130,841); deleting any one gives the same sequence. VCF-style (leftmost placement, unchanged base first): chr16-48130838-AG-A. GRCh37 (hg19) VCF-style: chr16-48164749-AG-A.
Other names: c.1185del, p.Phe396fs (NM_001392028.1, NM_033226.3); short protein forms F396fs.
Identifiers: ClinVar variation 4984786 (VCV004984786.1).
Genomic context (GRCh38, chr16:48,130,838, plus strand): 5'-TTAGTTATACCTTCATTCTCCTTAGAGAGACATTCGCTTCAGCCATTGCTTTGATGGAGA[AG>A]GGCAAGATTGCAATGGAAAACTTCATTACATTAAACATGGCAATCACACTAAATGCCTGA-3'